The following is an entry in ClinVar:

ClinVar aggregate classification (germline): Conflicting classifications of pathogenicity. Review status: criteria provided, conflicting classifications (1 of 4 stars). 2 submissions from 2 submitters: Uncertain significance (1); Likely benign (1). Last evaluated 2025-04-24.

gnomAD v4.1: 4 of 1,607,438 alleles (0.00025%); highest among the groups gnomAD compares: Non-Finnish European, 0.00034%; no homozygotes.

Submissions (2):

Ambry Genetics
Classification: Likely benign. Last evaluated: 2025-04-24. Review status: criteria provided, single submitter. Criteria: Ambry Variant Classification Scheme 2023. Collection method: clinical testing. Allele origin: germline.

GeneDx
Classification: Uncertain significance. Last evaluated: 2023-11-22. Review status: criteria provided, single submitter. Criteria: GeneDx Variant Classification Process June 2021. Collection method: clinical testing. Allele origin: germline. Affected: yes.
Comment: Not observed at significant frequency in large population cohorts (gnomAD); In silico analysis supports that this missense variant does not alter protein structure/function; Has not been previously published as pathogenic or benign to our knowledge

NM_015656.2(KIF26A):c.2785G>A (p.Ala929Thr)

Gene: KIF26A (kinesin family member 26A; plus strand). Cytogenetic location: 14q32.33.
Variant type: single nucleotide variant.
Coding change: c.2785G>A on transcript NM_015656.2 (MANE Select); coding-DNA position 2785, G replaced by A.
Protein change: p.Ala929Thr; replaces alanine 929 with threonine.
Molecular consequence: missense variant.
Genome position (GRCh38, 1-based): chr14:104,175,573, G>A. VCF-style: chr14-104175573-G-A. GRCh37 (hg19) VCF-style: chr14-104641910-G-A.
Other names: short protein forms A929T.
Identifiers: ClinVar variation 3364524 (VCV003364524.2).